The following is an entry in ClinVar:

ClinVar aggregate classification (germline): Likely benign (0 of 4 stars; one submission).

Conditions:
STAP1-related disorder. Also called: STAP1-related condition.

Allele frequency attached by ClinVar (database versions not stated): TOPMed below 0.00001.
gnomAD v4.1: 5 of 1,612,094 alleles (0.00031%); highest among the groups gnomAD compares: Non-Finnish European, 0.00042%; no homozygotes.

Submission:

PreventionGenetics, part of Exact Sciences
Classification: Likely benign for STAP1-related condition. Last evaluated: 2020-11-30. Review status: no assertion criteria provided. Collection method: clinical testing. Allele origin: germline.
Comment: This variant is classified as likely benign based on ACMG/AMP sequence variant interpretation guidelines (Richards et al. 2015 PMID: 25741868, with internal and published modifications).

NM_012108.4(STAP1):c.-3G>T

Gene: STAP1 (signal transducing adaptor family member 1; plus strand). Cytogenetic location: 4q13.2.
Variant type: single nucleotide variant.
Coding change: c.-3G>T on transcript NM_012108.4 (MANE Select); 3 bases upstream of the start codon, G replaced by T.
Molecular consequence: 5 prime UTR variant.
Genome position (GRCh38, 1-based): chr4:67,558,807, G>T. VCF-style: chr4-67558807-G-T. GRCh37 (hg19) VCF-style: chr4-68424525-G-T.
Other names: c.-3G>T (NM_001317769.2).
Identifiers: ClinVar variation 3030953 (VCV003030953.2), dbSNP rs754366204, ClinGen allele CA552147155.
Genomic context (GRCh38, chr4:67,558,807, plus strand): 5'-CACAGAAGGAAGATTTCATTTTGTTTGAGACGAGAAACCAAACCACACACCAAAGAGAGG[G>T]GTATGATGGCTAAGAAGCCCCCAAAACCAGCCCCTCGCAGGATCTTCCAGGAAAGGTTAA-3'